The following is an entry in ClinVar:

NM_005883.3(APC2):c.6524A>G (p.Glu2175Gly)

Gene: APC2 (APC regulator of Wnt signaling pathway 2; plus strand). Cytogenetic location: 19p13.3.
Variant type: single nucleotide variant.
Coding change: c.6524A>G on transcript NM_005883.3 (MANE Select); coding-DNA position 6524, A replaced by G.
Protein change: p.Glu2175Gly; replaces glutamic acid 2175 with glycine.
Molecular consequence: missense variant.
Genome position (GRCh38, 1-based): chr19:1,469,825, A>G. VCF-style: chr19-1469825-A-G. GRCh37 (hg19) VCF-style: chr19-1469824-A-G.
Other names: c.6521A>G, p.Glu2174Gly (NM_001351273.1); c.6524A>G (NM_005883.2); short protein forms E2174G, E2175G.
Identifiers: ClinVar variation 2045831 (VCV002045831.6), dbSNP rs777044723, ClinGen allele CA9046155.

ClinVar aggregate classification (germline): Uncertain significance. Review status: criteria provided, multiple submitters, no conflicts (2 of 4 stars). 2 submissions from 2 submitters: Uncertain significance (2). Last evaluated 2025-03-20.

Conditions:
Inborn genetic diseases. Identifiers: MedGen C0950123, MeSH D030342.

Allele frequency attached by ClinVar (database versions not stated): gnomAD 0.00007; TOPMed 0.00012; gnomAD exomes 0.00021.
gnomAD v4.1: 302 of 1,518,376 alleles (0.02%); highest among the groups gnomAD compares: Non-Finnish European, 0.025%; no homozygotes.

Submissions (2):

Ambry Genetics
Classification: Uncertain significance for Inborn genetic diseases. Last evaluated: 2025-03-20. Review status: criteria provided, single submitter. Criteria: Ambry Variant Classification Scheme 2023. Collection method: clinical testing. Allele origin: germline.

Labcorp Genetics (formerly Invitae), Labcorp
Classification: Uncertain significance. Last evaluated: 2024-11-11. Review status: criteria provided, single submitter. Criteria: Invitae Variant Classification Sherloc (09022015). Collection method: clinical testing. Allele origin: germline.
Comment: This sequence change replaces glutamic acid, which is acidic and polar, with glycine, which is neutral and non-polar, at codon 2175 of the APC2 protein (p.Glu2175Gly). This variant is present in population databases (rs777044723, gnomAD 0.03%). This variant has not been reported in the literature in individuals affected with APC2-related conditions. ClinVar contains an entry for this variant (Variation ID: 2045831). Invitae Evidence Modeling of protein sequence and biophysical properties (such as structural, functional, and spatial information, amino acid conservation, physicochemical variation, residue mobility, and thermodynamic stability) indicates that this missense variant is not expected to disrupt APC2 protein function with a negative predictive value of 80%. In summary, the available evidence is currently insufficient to determine the role of this variant in disease. Therefore, it has been classified as a Variant of Uncertain Significance.